The following is an entry in ClinVar:

ClinVar aggregate classification (germline): Pathogenic (1 of 4 stars; one submission).

Allele frequency attached by ClinVar (database versions not stated): gnomAD exomes below 0.00001.
gnomAD v4.1: 1 of 1,611,420 alleles (0.000062%); highest among the groups gnomAD compares: Non-Finnish European, 0.000085%; no homozygotes.

Submission:

Labcorp Genetics (formerly Invitae), Labcorp
Classification: Pathogenic. Last evaluated: 2022-12-20. Review status: criteria provided, single submitter. Criteria: Invitae Variant Classification Sherloc (09022015). Collection method: clinical testing. Allele origin: germline.
Comment: For these reasons, this variant has been classified as Pathogenic. This variant has not been reported in the literature in individuals affected with GALNT3-related conditions. This variant is not present in population databases (gnomAD no frequency). This sequence change creates a premature translational stop signal (p.Tyr380*) in the GALNT3 gene. It is expected to result in an absent or disrupted protein product. Loss-of-function variants in GALNT3 are known to be pathogenic (PMID: 15133511, 20358599).

Literature cited by the submitters: PubMed 15133511; PubMed 20358599.

NM_004482.4(GALNT3):c.1140T>A (p.Tyr380Ter)

Gene: GALNT3 (polypeptide N-acetylgalactosaminyltransferase 3; minus strand). Cytogenetic location: 2q24.3.
Variant type: single nucleotide variant.
Coding change: c.1140T>A on transcript NM_004482.4 (MANE Select); coding-DNA position 1140, T replaced by A.
Protein change: p.Tyr380Ter; replaces tyrosine 380 with a stop codon.
Molecular consequence: nonsense.
Genome position (GRCh38, 1-based): chr2:165,758,798, A>T on the plus strand (T>A on the coding strand, the complement: GALNT3 is on the minus strand). VCF-style: chr2-165758798-A-T. GRCh37 (hg19) VCF-style: chr2-166615308-A-T.
Other names: short protein forms Y380*.
Identifiers: ClinVar variation 2891844 (VCV002891844.3), dbSNP rs2467869522, ClinGen allele CA349036748.